The following is an entry in ClinVar:

ClinVar aggregate classification (germline): Conflicting classifications of pathogenicity. Review status: criteria provided, conflicting classifications (1 of 4 stars). 3 submissions from 3 submitters: Likely pathogenic (1); Uncertain significance (2). Last evaluated 2026-09-08.

Conditions:
Fabry disease. Also called: ALPHA-GALACTOSIDASE A DEFICIENCY; ANDERSON-FABRY DISEASE; CERAMIDE TRIHEXOSIDASE DEFICIENCY; GLA DEFICIENCY; HEREDITARY DYSTOPIC LIPIDOSIS; Angiokeratoma corporis diffusum. Identifiers: Orphanet 324, MedGen C0002986, MONDO:0010526, OMIM 301500, HP:0001071. Disease mechanism: Fabry disease is due to inactivating mutations in the X-linked GLA gene resulting in deficiency of the enzyme Alpha Galactosidase-A., loss of function.

Submissions (3):

Genomenon, Inc
Classification: Uncertain significance for Fabry disease. Last evaluated: 2026-09-08. Review status: criteria provided, single submitter. Criteria: Genomenon Sequence Variant Interpretation Standards - Updated. Collection method: curation. Allele origin: germline. Affected: no.
Comment: GLA p.Gly395Glu (c.1184G>A) is a missense variant that changes the amino acid at codon 395 from Glycine to Glutamic acid. This variant has been reported in the published literature (PMID:23826564;27657681). The presence of pathogenic/likely pathogenic missense variant(s) at the same amino acid position indicates that this residue is likely important for protein function. It is absent or not present at a significant frequency in gnomAD. In silico models predict that this variant is possibly or probably damaging. In conclusion, we classify GLA p.Gly395Glu (c.1184G>A) as a variant of uncertain significance.

Labcorp Genetics (formerly Invitae), Labcorp
Classification: Uncertain significance for Fabry disease. Last evaluated: 2026-01-16. Review status: criteria provided, single submitter. Criteria: Invitae Variant Classification Sherloc (09022015). Collection method: clinical testing. Allele origin: germline.
Comment: This sequence change replaces glycine, which is neutral and non-polar, with glutamic acid, which is acidic and polar, at codon 395 of the GLA protein (p.Gly395Glu). This variant is not present in population databases (gnomAD no frequency). This missense change has been observed in individual(s) with Fabry disease (PMID: 23826564). ClinVar contains an entry for this variant (Variation ID: 4087655). Invitae Evidence Modeling of protein sequence and biophysical properties (such as structural, functional, and spatial information, amino acid conservation, physicochemical variation, residue mobility, and thermodynamic stability) indicates that this missense variant is not expected to disrupt GLA protein function with a negative predictive value of 80%. Experimental studies have shown that this missense change affects GLA function (PMID: 27657681). This variant disrupts the p.Gly395 amino acid residue in GLA. Other variant(s) that disrupt this residue have been observed in individuals with GLA-related conditions (PMID: 30477121), which suggests that this may be a clinically significant amino acid residue. In summary, the available evidence is currently insufficient to determine the role of this variant in disease. Therefore, it has been classified as a Variant of Uncertain Significance.

Mayo Clinic Laboratories, Mayo Clinic
Classification: Likely pathogenic. Last evaluated: 2025-10-16. Review status: criteria provided, single submitter. Criteria: ACMG Guidelines, 2015. Collection method: clinical testing. Allele origin: germline. Observed: 1 variant allele.
Comment: PP3_moderate, PP4, PM2_supporting, PM5, PS3_supporting

Literature cited by the submitters: PubMed 23826564 (cited by 3 submitters); PubMed 27657681 (cited by 3 submitters); PubMed 30477121 (cited by Labcorp Genetics (formerly Invitae), Labcorp); PubMed 21896204 (cited by Mayo Clinic Laboratories, Mayo Clinic); PubMed 23935525 (cited by Mayo Clinic Laboratories, Mayo Clinic); PubMed 27825144 (cited by Mayo Clinic Laboratories, Mayo Clinic); PubMed 35629291 (cited by Mayo Clinic Laboratories, Mayo Clinic); PubMed 38258498 (cited by Mayo Clinic Laboratories, Mayo Clinic).

NM_000169.3(GLA):c.1184G>A (p.Gly395Glu)

Genes: GLA (galactosidase alpha; minus strand), RPL36A-HNRNPH2 (RPL36A-HNRNPH2 readthrough; plus strand). Cytogenetic location: Xq22.1.
Variant type: single nucleotide variant.
Coding change: c.1184G>A on transcript NM_000169.3 (MANE Select); coding-DNA position 1184, G replaced by A.
Protein change: p.Gly395Glu; replaces glycine 395 with glutamic acid.
Molecular consequence: missense variant. On other transcripts: non-coding transcript variant (3), intron variant (2).
Genome position (GRCh38, 1-based): chrX:101,397,915, C>T on the plus strand (G>A on the coding strand, the complement: GLA is on the minus strand). VCF-style: chrX-101397915-C-T. GRCh37 (hg19) VCF-style: chrX-100652903-C-T.
Other names: p.Gly395Glu; c.1307G>A, p.Gly436Glu (NM_001406747.1); c.300+2458C>T (NM_001199973.2); c.177+6093C>T (NM_001199974.2); short protein forms G395E, G436E.
Identifiers: ClinVar variation 4087655 (VCV004087655.3).